The following is an entry in ClinVar:

ClinVar aggregate classification (germline): Uncertain significance (1 of 4 stars; one submission).

Allele frequency attached by ClinVar (database versions not stated): gnomAD 0.00001.
gnomAD v4.1: 1 of 1,614,010 alleles (0.000062%); highest among the groups gnomAD compares: Non-Finnish European, 0.000085%; no homozygotes.

Submission:

Labcorp Genetics (formerly Invitae), Labcorp
Classification: Uncertain significance. Last evaluated: 2023-06-26. Review status: criteria provided, single submitter. Criteria: Invitae Variant Classification Sherloc (09022015). Collection method: clinical testing. Allele origin: germline.
Comment: In summary, the available evidence is currently insufficient to determine the role of this variant in disease. Therefore, it has been classified as a Variant of Uncertain Significance. An algorithm developed to predict the effect of missense changes on protein structure and function (PolyPhen-2) suggests that this variant is likely to be tolerated. This variant has not been reported in the literature in individuals affected with ASXL1-related conditions. This variant is not present in population databases (gnomAD no frequency). This sequence change replaces arginine, which is basic and polar, with leucine, which is neutral and non-polar, at codon 1073 of the ASXL1 protein (p.Arg1073Leu).

NM_015338.6(ASXL1):c.3218G>T (p.Arg1073Leu)

Gene: ASXL1 (ASXL transcriptional regulator 1; plus strand). Cytogenetic location: 20q11.21.
Variant type: single nucleotide variant.
Coding change: c.3218G>T on transcript NM_015338.6 (MANE Select); coding-DNA position 3218, G replaced by T.
Protein change: p.Arg1073Leu; replaces arginine 1073 with leucine.
Molecular consequence: missense variant.
Genome position (GRCh38, 1-based): chr20:32,435,930, G>T. VCF-style: chr20-32435930-G-T. GRCh37 (hg19) VCF-style: chr20-31023733-G-T.
Other names: c.3035G>T, p.Arg1012Leu (NM_001363734.1); short protein forms R1012L, R1073L.
Identifiers: ClinVar variation 2874774 (VCV002874774.3), dbSNP rs1444168328, ClinGen allele CA408562596.